The following is an entry in ClinVar:

NM_002246.3(KCNK3):c.202C>T (p.Arg68Cys)

Gene: KCNK3 (potassium two pore domain channel subfamily K member 3; plus strand). Cytogenetic location: 2p23.3.
Variant type: single nucleotide variant.
Coding change: c.202C>T on transcript NM_002246.3 (MANE Select); coding-DNA position 202, C replaced by T.
Protein change: p.Arg68Cys; replaces arginine 68 with cysteine.
Molecular consequence: missense variant.
Genome position (GRCh38, 1-based): chr2:26,693,077, C>T. VCF-style: chr2-26693077-C-T. GRCh37 (hg19) VCF-style: chr2-26915945-C-T.
Other names: short protein forms R68C.
Identifiers: ClinVar variation 962756 (VCV000962756.10), dbSNP rs1025063325, ClinGen allele CA44392064.

ClinVar aggregate classification (germline): Uncertain significance. Review status: criteria provided, multiple submitters, no conflicts (2 of 4 stars). 2 submissions from 2 submitters: Uncertain significance (2). Last evaluated 2023-11-27.

Conditions:
Pulmonary hypertension, primary, 4. Identifiers: Orphanet 422, MedGen C3809198, MONDO:0014136, OMIM 615344.

Allele frequency attached by ClinVar (database versions not stated): gnomAD 0.00002; TOPMed 0.00002.

Submissions (2):

Labcorp Genetics (formerly Invitae), Labcorp
Classification: Uncertain significance for Pulmonary hypertension, primary, 4. Last evaluated: 2023-11-27. Review status: criteria provided, single submitter. Criteria: Invitae Variant Classification Sherloc (09022015). Collection method: clinical testing. Allele origin: germline.
Comment: This sequence change replaces arginine, which is basic and polar, with cysteine, which is neutral and slightly polar, at codon 68 of the KCNK3 protein (p.Arg68Cys). The frequency data for this variant in the population databases is considered unreliable, as metrics indicate poor data quality at this position in the gnomAD database. This variant has not been reported in the literature in individuals affected with KCNK3-related conditions. ClinVar contains an entry for this variant (Variation ID: 962756). Advanced modeling of protein sequence and biophysical properties (such as structural, functional, and spatial information, amino acid conservation, physicochemical variation, residue mobility, and thermodynamic stability) performed at Invitae indicates that this missense variant is not expected to disrupt KCNK3 protein function with a negative predictive value of 80%. In summary, the available evidence is currently insufficient to determine the role of this variant in disease. Therefore, it has been classified as a Variant of Uncertain Significance.

Fulgent Genetics
Classification: Uncertain significance for Pulmonary hypertension, primary, 4. Last evaluated: 2022-05-03. Review status: criteria provided, single submitter. Criteria: ACMG Guidelines, 2015. Collection method: clinical testing. Allele origin: unknown.